The following is an entry in ClinVar:

NM_014915.3(ANKRD26):c.2902A>G (p.Thr968Ala)

Gene: ANKRD26 (ankyrin repeat domain 26; minus strand). Cytogenetic location: 10p12.1.
Variant type: single nucleotide variant.
Coding change: c.2902A>G on transcript NM_014915.3 (MANE Select); coding-DNA position 2902, A replaced by G.
Protein change: p.Thr968Ala; replaces threonine 968 with alanine.
Molecular consequence: missense variant.
Genome position (GRCh38, 1-based): chr10:27,035,548, T>C on the plus strand (A>G on the coding strand, the complement: ANKRD26 is on the minus strand). VCF-style: chr10-27035548-T-C. GRCh37 (hg19) VCF-style: chr10-27324477-T-C.
Other names: c.2899A>G, p.Thr967Ala (NM_001256053.2); short protein forms T968A, T967A.
Identifiers: ClinVar variation 452061 (VCV000452061.16), dbSNP rs369233145, ClinGen allele CA5448127.

ClinVar aggregate classification (germline): Uncertain significance. Review status: criteria provided, multiple submitters, no conflicts (2 of 4 stars). 4 submissions from 4 submitters: Uncertain significance (4). Last evaluated 2025-02-03.

Conditions:
Inborn genetic diseases. Identifiers: MedGen C0950123, MeSH D030342.

Allele frequency attached by ClinVar (database versions not stated): TOPMed 0.00006; ESP Exome Variant Server 0.00008; gnomAD exomes 0.00008 and 0.00009; ExAC 0.00011; gnomAD 0.00013 and 0.00014.
gnomAD v4.1: 144 of 1,613,844 alleles (0.0089%); highest among the groups gnomAD compares: Non-Finnish European, 0.01%; no homozygotes.

Submissions (4):

Labcorp Genetics (formerly Invitae), Labcorp
Classification: Uncertain significance. Last evaluated: 2025-02-03. Review status: criteria provided, single submitter. Criteria: Invitae Variant Classification Sherloc (09022015). Collection method: clinical testing. Allele origin: germline.
Comment: This sequence change replaces threonine, which is neutral and polar, with alanine, which is neutral and non-polar, at codon 968 of the ANKRD26 protein (p.Thr968Ala). This variant is present in population databases (rs369233145, gnomAD 0.02%). This variant has not been reported in the literature in individuals affected with ANKRD26-related conditions. ClinVar contains an entry for this variant (Variation ID: 452061). An algorithm developed to predict the effect of missense changes on protein structure and function outputs the following: PolyPhen-2: "Benign". The alanine amino acid residue is found in multiple mammalian species, which suggests that this missense change does not adversely affect protein function. In summary, the available evidence is currently insufficient to determine the role of this variant in disease. Therefore, it has been classified as a Variant of Uncertain Significance.

Ambry Genetics
Classification: Uncertain significance for Inborn genetic diseases. Last evaluated: 2024-10-15. Review status: criteria provided, single submitter. Criteria: Ambry Variant Classification Scheme 2023. Collection method: clinical testing. Allele origin: germline.
Comment: The p.T968A variant (also known as c.2902A>G), located in coding exon 24 of the ANKRD26 gene, results from an A to G substitution at nucleotide position 2902. The threonine at codon 968 is replaced by alanine, an amino acid with similar properties. This amino acid position is conserved. In addition, this alteration is predicted to be tolerated by in silico analysis. Based on the available evidence, the clinical significance of this variant remains unclear.

GeneDx
Classification: Uncertain significance. Last evaluated: 2024-10-07. Review status: criteria provided, single submitter. Criteria: GeneDx Variant Classification Process June 2021. Collection method: clinical testing. Allele origin: germline. Affected: yes.
Comment: In silico analysis supports that this missense variant has a deleterious effect on protein structure/function; Has not been previously published as pathogenic or benign to our knowledge

Genetic Services Laboratory, University of Chicago
Classification: Uncertain significance. Last evaluated: 2021-01-08. Review status: criteria provided, single submitter. Criteria: ACMG Guidelines, 2015. Collection method: clinical testing. Allele origin: germline. Affected: no.
Comment: This sequence change does not appear to have been previously described in patients with ANKRD26-related disorders and has been described in the gnomAD database with a low population frequency of 0.019% in the non-Finnish European subpopulation (dbSNP rs369233145). The p.Thr968Ala change affects a moderately conserved amino acid residue located in a domain of the ANKRD26 protein that is not known to be functional. In-silico pathogenicity prediction tools (SIFT, PolyPhen2, Align GVGD, REVEL) provide contradictory results for the p.Thr968Ala substitution. Due to these contrasting evidences and the lack of functional studies, the clinical significance of the p.Thr968Ala change remains unknown at this time.